The following is an entry in ClinVar:

ClinVar aggregate classification (germline): Uncertain significance (1 of 4 stars; one submission).

Conditions:
CNKSR2-related disorder. Also called: CNKSR2-related condition.

Submissions (2):

PreventionGenetics, part of Exact Sciences
Classification: Uncertain significance for CNKSR2-related condition. Last evaluated: 2026-05-16. Review status: criteria provided, single submitter. Criteria: ACMG Guidelines, 2015. Collection method: clinical testing. Allele origin: germline.
Comment: The CNKSR2 c.1250A>G variant is predicted to result in the amino acid substitution p.Tyr417Cys. To our knowledge, this variant has not been reported in the literature or in a large population database (gnomAD), indicating this variant is rare. At this time, the clinical significance of this variant is uncertain due to the absence of conclusive functional and genetic evidence.

Dr. Peter K. Rogan Lab, Western University
No classification provided (evidence only). Condition: Nonpapillary renal cell carcinoma. Review status: no classification provided. Collection method: in vitro. Allele origin: not applicable. Functional consequence: retained intron. Not counted in ClinVar's aggregate classification.

NM_014927.5(CNKSR2):c.1250A>G (p.Tyr417Cys)

Gene: CNKSR2 (connector enhancer of kinase suppressor of Ras 2; plus strand). Cytogenetic location: Xp22.12.
Variant type: single nucleotide variant.
Coding change: c.1250A>G on transcript NM_014927.5 (MANE Select); coding-DNA position 1250, A replaced by G.
Protein change: p.Tyr417Cys; replaces tyrosine 417 with cysteine.
Molecular consequence: missense variant.
Genome position (GRCh38, 1-based): chrX:21,532,014, A>G. VCF-style: chrX-21532014-A-G. GRCh37 (hg19) VCF-style: chrX-21550132-A-G.
Other names: NC_000023.10:g.21550132A>G; c.1250A>G, p.Tyr417Cys (NM_001168647.3, NM_001168648.3, NM_001330773.2); c.1103A>G, p.Tyr368Cys (NM_001168649.3, NM_001330770.2, NM_001330771.2 and 1 more transcripts); c.1250A>G (NM_014927.4); short protein forms Y368C, Y417C.
Identifiers: ClinVar variation 4484466 (VCV004484466.2).